The following is an entry in ClinVar:

ClinVar aggregate classification (germline): Uncertain significance (1 of 4 stars; one submission).

Submission:

Labcorp Genetics (formerly Invitae), Labcorp
Classification: Uncertain significance. Last evaluated: 2024-08-19. Review status: criteria provided, single submitter. Criteria: Invitae Variant Classification Sherloc (09022015). Collection method: clinical testing. Allele origin: germline.
Comment: This sequence change replaces leucine, which is neutral and non-polar, with proline, which is neutral and non-polar, at codon 345 of the DSG1 protein (p.Leu345Pro). This variant is not present in population databases (gnomAD no frequency). This variant has not been reported in the literature in individuals affected with DSG1-related conditions. Invitae Evidence Modeling of protein sequence and biophysical properties (such as structural, functional, and spatial information, amino acid conservation, physicochemical variation, residue mobility, and thermodynamic stability) indicates that this missense variant is not expected to disrupt DSG1 protein function with a negative predictive value of 80%. In summary, the available evidence is currently insufficient to determine the role of this variant in disease. Therefore, it has been classified as a Variant of Uncertain Significance.

NM_001942.4(DSG1):c.1034T>C (p.Leu345Pro)

Gene: DSG1 (desmoglein 1; plus strand). Cytogenetic location: 18q12.1.
Variant type: single nucleotide variant.
Coding change: c.1034T>C on transcript NM_001942.4 (MANE Select); coding-DNA position 1034, T replaced by C.
Protein change: p.Leu345Pro; replaces leucine 345 with proline.
Molecular consequence: missense variant.
Genome position (GRCh38, 1-based): chr18:31,336,382, T>C. VCF-style: chr18-31336382-T-C. GRCh37 (hg19) VCF-style: chr18-28916345-T-C.
Other names: short protein forms L345P.
Identifiers: ClinVar variation 3662895 (VCV003662895.2).